The following is an entry in ClinVar:

ClinVar aggregate classification (germline): Uncertain significance. Review status: criteria provided, multiple submitters, no conflicts (2 of 4 stars). 2 submissions from 2 submitters: Uncertain significance (2). Last evaluated 2025-02-10.

Allele frequency attached by ClinVar (database versions not stated): gnomAD exomes below 0.00001 and 0.00001; ExAC 0.00002; TOPMed 0.00002.

Submissions (2):

Labcorp Genetics (formerly Invitae), Labcorp
Classification: Uncertain significance. Last evaluated: 2025-02-10. Review status: criteria provided, single submitter. Criteria: Invitae Variant Classification Sherloc (09022015). Collection method: clinical testing. Allele origin: germline.
Comment: This sequence change creates a premature translational stop signal (p.Arg422*) in the ZNF408 gene. While this is not anticipated to result in nonsense mediated decay, it is expected to disrupt the last 299 amino acid(s) of the ZNF408 protein. This variant is present in population databases (rs754079461, gnomAD 0.01%). This premature translational stop signal has been observed in individual(s) with clinical features of retinitis pigmentosa (internal data). ClinVar contains an entry for this variant (Variation ID: 1027210). In summary, the available evidence is currently insufficient to determine the role of this variant in disease. Therefore, it has been classified as a Variant of Uncertain Significance.

Blueprint Genetics
Classification: Uncertain significance. Last evaluated: 2018-08-28. Review status: criteria provided, single submitter. Criteria: ACMG Guidelines, 2015. Collection method: clinical testing. Allele origin: germline.

NM_024741.3(ZNF408):c.1264C>T (p.Arg422Ter)

Gene: ZNF408 (zinc finger protein 408; plus strand). Cytogenetic location: 11p11.2.
Variant type: single nucleotide variant.
Coding change: c.1264C>T on transcript NM_024741.3 (MANE Select); coding-DNA position 1264, C replaced by T.
Protein change: p.Arg422Ter; replaces arginine 422 with a stop codon.
Molecular consequence: nonsense.
Genome position (GRCh38, 1-based): chr11:46,704,964, C>T. VCF-style: chr11-46704964-C-T. GRCh37 (hg19) VCF-style: chr11-46726514-C-T.
Other names: c.1240C>T, p.Arg414Ter (NM_001184751.2); short protein forms R414*, R422*.
Identifiers: ClinVar variation 1027210 (VCV001027210.9), dbSNP rs754079461, ClinGen allele CA5966525.